The following is an entry in ClinVar:

NM_000548.5(TSC2):c.1919T>G (p.Phe640Cys)

Gene: TSC2 (TSC complex subunit 2; plus strand). Cytogenetic location: 16p13.3.
Variant type: single nucleotide variant.
Coding change: c.1919T>G on transcript NM_000548.5 (MANE Select); coding-DNA position 1919, T replaced by G.
Protein change: p.Phe640Cys; replaces phenylalanine 640 with cysteine.
Molecular consequence: missense variant. On other transcripts: non-coding transcript variant (5).
Genome position (GRCh38, 1-based): chr16:2,071,589, T>G. VCF-style: chr16-2071589-T-G. GRCh37 (hg19) VCF-style: chr16-2121590-T-G.
Other names: c.1772T>G, p.Phe591Cys (NM_001406676.1, NM_001406679.1, NM_001318829.2 and 1 more transcripts); c.1862T>G, p.Phe621Cys (NM_001406677.1); c.1808T>G, p.Phe603Cys (NM_001406678.1, NM_001318827.2, NM_001406670.1); c.1319T>G, p.Phe440Cys (NM_001406680.1, NM_001406682.1, NM_001406683.1 and 6 more transcripts); c.1457T>G, p.Phe486Cys (NM_001406681.1); c.1919T>G, p.Phe640Cys (NM_001077183.3, NM_001114382.3, NM_001363528.2 and 6 more transcripts); c.1952T>G, p.Phe651Cys (NM_001318832.2); c.2009T>G, p.Phe670Cys (NM_001406667.1, NM_001406668.1); and 3 more; short protein forms F106C, F192C, F440C, F486C, F591C, F603C, F621C, F636C.
Identifiers: ClinVar variation 3232094 (VCV003232094.2), dbSNP rs2151298478, ClinGen allele CA394273247.

ClinVar aggregate classification (germline): Uncertain significance (1 of 4 stars; one submission).

Conditions:
Hereditary cancer-predisposing syndrome. Also called: Neoplastic Syndromes, Hereditary; Tumor predisposition; Hereditary Cancer Syndrome; Hereditary neoplastic syndrome. Identifiers: Orphanet 140162, MedGen C0027672, MeSH D009386, MONDO:0015356.

Submission:

Ambry Genetics
Classification: Uncertain significance for Hereditary cancer-predisposing syndrome. Last evaluated: 2026-06-18. Review status: criteria provided, single submitter. Criteria: Ambry Variant Classification Scheme 2023. Collection method: clinical testing. Allele origin: germline.
Comment: The p.F640C variant (also known as c.1919T>G), located in coding exon 17 of the TSC2 gene, results from a T to G substitution at nucleotide position 1919. The phenylalanine at codon 640 is replaced by cysteine, an amino acid with highly dissimilar properties. This amino acid position is conserved. In addition, this alteration is predicted to be deleterious by in silico analysis. Based on the available evidence, the clinical significance of this variant remains unclear.